The following is an entry in ClinVar:

ClinVar aggregate classification (germline): Uncertain significance (1 of 4 stars; one submission).

Submission:

CeGaT Center for Human Genetics Tuebingen
Classification: Uncertain significance. Last evaluated: 2026-07-01. Review status: criteria provided, single submitter. Criteria: CeGaT Center For Human Genetics Tuebingen Variant Classification Criteria Version 2. Collection method: clinical testing. Allele origin: germline. Affected: yes. Observed: 1 variant allele.
Comment: COL9A1: PM2, PP3

NM_001851.6(COL9A1):c.674A>G (p.Asp225Gly)

Gene: COL9A1 (collagen type IX alpha 1 chain; minus strand). Cytogenetic location: 6q13.
Variant type: single nucleotide variant.
Coding change: c.674A>G on transcript NM_001851.6 (MANE Select); coding-DNA position 674, A replaced by G.
Protein change: p.Asp225Gly; replaces aspartic acid 225 with glycine.
Molecular consequence: missense variant.
Genome position (GRCh38, 1-based): chr6:70,294,189, T>C on the plus strand (A>G on the coding strand, the complement: COL9A1 is on the minus strand). VCF-style: chr6-70294189-T-C. GRCh37 (hg19) VCF-style: chr6-71003892-T-C.
Other names: c.674A>G, p.Asp225Gly (NM_001377291.1); short protein forms D225G.
Identifiers: ClinVar variation 5039029 (VCV005039029.1).
Genomic context (GRCh38, chr6:70,294,189, plus strand): 5'-TTGCTTTAATCTGCCATAGTGTGTGGTTTTATACTTACTGGAACAGAAACTTGAGGATTA[T>C]CTGCAAGTTTTCCCAGCACAGCAAAGCCATCAATGTCAATTGGGCCTCTTGGCTTTATAG-3'
Protein context (NP_001842.3, residues 215-235): DGFAVLGKLA[Asp225Gly]NPQVSVPFEL